The following is an entry in ClinVar:

ClinVar aggregate classification (germline): Uncertain significance (1 of 4 stars; one submission).

gnomAD v4.1: 10 of 1,614,092 alleles (0.00062%); highest among the groups gnomAD compares: East Asian, 0.022%; no homozygotes.

Submission:

Labcorp Genetics (formerly Invitae), Labcorp
Classification: Uncertain significance. Last evaluated: 2024-05-14. Review status: criteria provided, single submitter. Criteria: Invitae Variant Classification Sherloc (09022015). Collection method: clinical testing. Allele origin: germline.
Comment: This sequence change replaces tyrosine, which is neutral and polar, with cysteine, which is neutral and slightly polar, at codon 149 of the SIAE protein (p.Tyr149Cys). This variant is present in population databases (rs572325096, gnomAD 0.05%). This variant has not been reported in the literature in individuals affected with SIAE-related conditions. An algorithm developed to predict the effect of missense changes on protein structure and function (PolyPhen-2) suggests that this variant is likely to be disruptive. In summary, the available evidence is currently insufficient to determine the role of this variant in disease. Therefore, it has been classified as a Variant of Uncertain Significance.

NM_170601.5(SIAE):c.446A>G (p.Tyr149Cys)

Gene: SIAE (sialic acid acetylesterase; minus strand). Cytogenetic location: 11q24.2.
Variant type: single nucleotide variant.
Coding change: c.446A>G on transcript NM_170601.5 (MANE Select); coding-DNA position 446, A replaced by G.
Protein change: p.Tyr149Cys; replaces tyrosine 149 with cysteine.
Molecular consequence: missense variant.
Genome position (GRCh38, 1-based): chr11:124,654,753, T>C on the plus strand (A>G on the coding strand, the complement: SIAE is on the minus strand). VCF-style: chr11-124654753-T-C. GRCh37 (hg19) VCF-style: chr11-124524649-T-C.
Other names: c.341A>G, p.Tyr114Cys (NM_001199922.2); short protein forms Y114C, Y149C.
Identifiers: ClinVar variation 3618127 (VCV003618127.2).